The following is an entry in ClinVar:

ClinVar aggregate classification (germline): Uncertain significance. Review status: criteria provided, multiple submitters, no conflicts (2 of 4 stars). 2 submissions from 2 submitters: Uncertain significance (2). Last evaluated 2025-09-11.

Conditions:
Neurofibromatosis, type 1 (NF1). Also called: Peripheral type neurofibromatosis; VON RECKLINGHAUSEN DISEASE; NEUROFIBROMATOSIS, TYPE I, SOMATIC; Neurofibromatosis, type I. Identifiers: Orphanet 636, MedGen C0027831, MONDO:0018975, OMIM 162200. Disease mechanism: loss of function.
Cardiovascular phenotype. Identifiers: MedGen CN230736.
Hereditary cancer-predisposing syndrome. Also called: Hereditary neoplastic syndrome; Tumor predisposition; Neoplastic Syndromes, Hereditary; Hereditary Cancer Syndrome. Identifiers: Orphanet 140162, MedGen C0027672, MeSH D009386, MONDO:0015356.

Submissions (2):

Ambry Genetics
Classification: Uncertain significance for Cardiovascular phenotype; Hereditary cancer-predisposing syndrome. Last evaluated: 2025-09-11. Review status: criteria provided, single submitter. Criteria: Ambry Variant Classification Scheme 2023. Collection method: clinical testing. Allele origin: germline.
Comment: The p.L1104F variant (also known as c.3310C>T), located in coding exon 25 of the NF1 gene, results from a C to T substitution at nucleotide position 3310. The leucine at codon 1104 is replaced by phenylalanine, an amino acid with highly similar properties. This amino acid position is conserved. In addition, the in silico prediction for this alteration is inconclusive. Based on the available evidence, the clinical significance of this variant remains unclear.

Labcorp Genetics (formerly Invitae), Labcorp
Classification: Uncertain significance for Neurofibromatosis, type 1. Last evaluated: 2022-08-16. Review status: criteria provided, single submitter. Criteria: Invitae Variant Classification Sherloc (09022015). Collection method: clinical testing. Allele origin: germline.
Comment: In summary, the available evidence is currently insufficient to determine the role of this variant in disease. Therefore, it has been classified as a Variant of Uncertain Significance. Advanced modeling of protein sequence and biophysical properties (such as structural, functional, and spatial information, amino acid conservation, physicochemical variation, residue mobility, and thermodynamic stability) performed at Invitae indicates that this missense variant is expected to disrupt NF1 protein function. This variant has not been reported in the literature in individuals affected with NF1-related conditions. This variant is not present in population databases (gnomAD no frequency). This sequence change replaces leucine, which is neutral and non-polar, with phenylalanine, which is neutral and non-polar, at codon 1104 of the NF1 protein (p.Leu1104Phe).

NM_001042492.3(NF1):c.3310C>T (p.Leu1104Phe)

Gene: NF1 (neurofibromin 1; plus strand). Cytogenetic location: 17q11.2.
Variant type: single nucleotide variant.
Coding change: c.3310C>T on transcript NM_001042492.3 (MANE Select); coding-DNA position 3310, C replaced by T.
Protein change: p.Leu1104Phe; replaces leucine 1104 with phenylalanine.
Molecular consequence: missense variant.
Genome position (GRCh38, 1-based): chr17:31,232,185, C>T. VCF-style: chr17-31232185-C-T. GRCh37 (hg19) VCF-style: chr17-29559203-C-T.
Other names: c.3310C>T, p.Leu1104Phe (NM_000267.4); short protein forms L1104F.
Identifiers: ClinVar variation 1714233 (VCV001714233.6), dbSNP rs140957113, ClinGen allele CA289337597.